The following is an entry in ClinVar:

ClinVar aggregate classification (germline): Pathogenic (1 of 4 stars; one submission).

Conditions:
Deficiency of aromatic-L-amino-acid decarboxylase. Also called: Aromatic L-Amino Acid Decarboxylase Deficiency; Aromatic amino acid decarboxylase deficiency; AADC DEFICIENCY; DDC DEFICIENCY; DOPA DECARBOXYLASE DEFICIENCY. Identifiers: Orphanet 35708, MedGen C1291564, MONDO:0012084, OMIM 608643.

gnomAD v4.1: 2 of 1,613,384 alleles (0.00012%); highest among the groups gnomAD compares: East Asian, 0.0045%; no homozygotes.

Submission:

Juno Genomics, Hangzhou Juno Genomics, Inc
Classification: Pathogenic for Deficiency of aromatic-L-amino-acid decarboxylase. Review status: criteria provided, single submitter. Criteria: ACMG Guidelines, 2015. Collection method: clinical testing. Allele origin: germline. Affected: yes.
Comment: Absent from controls (or at extremely low frequency if recessive) in Genome Aggregation Database, Exome Sequencing Project, 1000 Genomes Project, or Exome Aggregation Consortium.;Null variant in a gene where loss of function (LOF) is a known mechanism of disease.;For recessive disorders, detected in trans with a pathogenic variant.;Patient's phenotype or family history is highly specific for a disease with a single genetic etiology.

NM_001082971.2(DDC):c.1021+1G>A

Gene: DDC (dopa decarboxylase; minus strand). Cytogenetic location: 7p12.2.
Variant type: single nucleotide variant.
Coding change: c.1021+1G>A on transcript NM_001082971.2 (MANE Select); the canonical splice donor site of the intron after coding-DNA position 1021, G replaced by A.
Molecular consequence: splice donor variant.
Genome position (GRCh38, 1-based): chr7:50,479,786, C>T on the plus strand (G>A on the coding strand, the complement: DDC is on the minus strand). VCF-style: chr7-50479786-C-T. GRCh37 (hg19) VCF-style: chr7-50547484-C-T.
Other names: c.787+1G>A (NM_001242888.2); c.907+1G>A (NM_001242886.2); c.742+1G>A (NM_001242889.2); c.877+1G>A (NM_001242887.2); c.1021+1G>A (NM_000790.4).
Identifiers: ClinVar variation 4796601 (VCV004796601.1).
Genomic context (GRCh38, chr7:50,479,786, plus strand): 5'-AGGGCAGCTCTGAGGGGAACAAGACCAGAAACAGTCCACAGAAAGCAGGCTCACAGCTTA[C>T]CTGAATCCTGATGGCTGTGCTTCAGGTAAGTGGGGTCCAGTCTAAAGGCTCCCGTTAAGT-3'